The following is an entry in ClinVar:

ClinVar aggregate classification (germline): Uncertain significance. Review status: criteria provided, multiple submitters, no conflicts (2 of 4 stars). 2 submissions from 2 submitters: Uncertain significance (2). Last evaluated 2025-10-06.

Conditions:
Inborn genetic diseases. Identifiers: MedGen C0950123, MeSH D030342.

Allele frequency attached by ClinVar (database versions not stated): gnomAD exomes below 0.00001.
gnomAD v4.1: 2 of 1,613,680 alleles (0.00012%); highest among the groups gnomAD compares: Non-Finnish European, 0.00017%; no homozygotes.

Submissions (2):

Ambry Genetics
Classification: Uncertain significance for Inborn genetic diseases. Last evaluated: 2025-10-06. Review status: criteria provided, single submitter. Criteria: Ambry Variant Classification Scheme 2023. Collection method: clinical testing. Allele origin: germline.
Comment: The p.K1265Q variant (also known as c.3793A>C), located in coding exon 1 of the SAMD9L gene, results from an A to C substitution at nucleotide position 3793. The lysine at codon 1265 is replaced by glutamine, an amino acid with similar properties. This amino acid position is conserved. In addition, this alteration is predicted to be tolerated by in silico analysis. Based on the available evidence, the clinical significance of this variant remains unclear.

Labcorp Genetics (formerly Invitae), Labcorp
Classification: Uncertain significance. Last evaluated: 2023-10-04. Review status: criteria provided, single submitter. Criteria: Invitae Variant Classification Sherloc (09022015). Collection method: clinical testing. Allele origin: germline.
Comment: This sequence change replaces lysine, which is basic and polar, with glutamine, which is neutral and polar, at codon 1265 of the SAMD9L protein (p.Lys1265Gln). This variant is not present in population databases (gnomAD no frequency). This variant has not been reported in the literature in individuals affected with SAMD9L-related conditions. Advanced modeling of protein sequence and biophysical properties (such as structural, functional, and spatial information, amino acid conservation, physicochemical variation, residue mobility, and thermodynamic stability) performed at Invitae indicates that this missense variant is expected to disrupt SAMD9L protein function. In summary, the available evidence is currently insufficient to determine the role of this variant in disease. Therefore, it has been classified as a Variant of Uncertain Significance.

NM_152703.5(SAMD9L):c.3793A>C (p.Lys1265Gln)

Gene: SAMD9L (sterile alpha motif domain containing 9 like; minus strand). Cytogenetic location: 7q21.2.
Variant type: single nucleotide variant.
Coding change: c.3793A>C on transcript NM_152703.5 (MANE Select); coding-DNA position 3793, A replaced by C.
Protein change: p.Lys1265Gln; replaces lysine 1265 with glutamine.
Molecular consequence: missense variant.
Genome position (GRCh38, 1-based): chr7:93,132,179, T>G on the plus strand (A>C on the coding strand, the complement: SAMD9L is on the minus strand). VCF-style: chr7-93132179-T-G. GRCh37 (hg19) VCF-style: chr7-92761492-T-G.
Other names: c.3793A>C (NM_152703.2); c.3793A>C, p.Lys1265Gln (NM_001303496.3, NM_001303497.3, NM_001303498.3 and 5 more transcripts); short protein forms K1265Q.
Identifiers: ClinVar variation 2809423 (VCV002809423.4), dbSNP rs2535409275, ClinGen allele CA368180004.